The following is an entry in ClinVar:

ClinVar aggregate classification (germline): Uncertain significance. Review status: criteria provided, multiple submitters, no conflicts (2 of 4 stars). 2 submissions from 2 submitters: Uncertain significance (2). Last evaluated 2025-11-03.

Conditions:
Inborn genetic diseases. Identifiers: MedGen C0950123, MeSH D030342.

Allele frequency attached by ClinVar (database versions not stated): gnomAD exomes below 0.00001.
gnomAD v4.1: 1 of 1,612,828 alleles (0.000062%); highest among the groups gnomAD compares: Non-Finnish European, 0.000085%; no homozygotes.

Submissions (2):

Labcorp Genetics (formerly Invitae), Labcorp
Classification: Uncertain significance. Last evaluated: 2025-11-03. Review status: criteria provided, single submitter. Criteria: Invitae Variant Classification Sherloc (09022015). Collection method: clinical testing. Allele origin: germline.
Comment: This sequence change replaces leucine, which is neutral and non-polar, with valine, which is neutral and non-polar, at codon 2713 of the VPS13A protein (p.Leu2713Val). This variant is not present in population databases (gnomAD no frequency). This variant has not been reported in the literature in individuals affected with VPS13A-related conditions. ClinVar contains an entry for this variant (Variation ID: 2183779). Invitae Evidence Modeling of protein sequence and biophysical properties (such as structural, functional, and spatial information, amino acid conservation, physicochemical variation, residue mobility, and thermodynamic stability) indicates that this missense variant is not expected to disrupt VPS13A protein function with a negative predictive value of 80%. In summary, the available evidence is currently insufficient to determine the role of this variant in disease. Therefore, it has been classified as a Variant of Uncertain Significance.

Ambry Genetics
Classification: Uncertain significance for Inborn genetic diseases. Last evaluated: 2023-12-14. Review status: criteria provided, single submitter. Criteria: Ambry Variant Classification Scheme 2023. Collection method: clinical testing. Allele origin: germline.

NM_033305.3(VPS13A):c.8137C>G (p.Leu2713Val)

Gene: VPS13A (vacuolar protein sorting 13 homolog A; plus strand). Cytogenetic location: 9q21.2.
Variant type: single nucleotide variant.
Coding change: c.8137C>G on transcript NM_033305.3 (MANE Select); coding-DNA position 8137, C replaced by G.
Protein change: p.Leu2713Val; replaces leucine 2713 with valine.
Molecular consequence: missense variant.
Genome position (GRCh38, 1-based): chr9:77,360,567, C>G. VCF-style: chr9-77360567-C-G. GRCh37 (hg19) VCF-style: chr9-79975483-C-G.
Other names: c.8020C>G, p.Leu2674Val (NM_001018037.2); c.8137C>G, p.Leu2713Val (NM_001018038.3, NM_015186.4); c.8137C>G (NM_033305.2); short protein forms L2713V, L2674V.
Identifiers: ClinVar variation 2183779 (VCV002183779.3), dbSNP rs1832086785, ClinGen allele CA373860936.